The following is an entry in ClinVar:

NM_001039570.3(KREMEN1):c.1098del (p.Ser367fs)

Gene: KREMEN1 (kringle containing transmembrane protein 1; plus strand). Cytogenetic location: 22q12.1.
Variant type: Deletion.
Coding change: c.1098del on transcript NM_001039570.3 (MANE Select); coding-DNA position 1098, one base deleted (C; older notation c.1098delC).
Protein change: p.Ser367fs; shifts the reading frame from serine 367.
Molecular consequence: frameshift variant.
Genome position (GRCh38, 1-based): chr22:29,138,757, C deleted; the last of 4 consecutive C bases (chr22:29,138,754-29,138,757); deleting any one gives the same sequence. VCF-style (leftmost placement, unchanged base first): chr22-29138753-GC-G. GRCh37 (hg19) VCF-style: chr22-29534741-GC-G.
Other names: c.1098del, p.Ser367fs (NM_032045.5); short protein forms S367fs.
Identifiers: ClinVar variation 1702735 (VCV001702735.5), dbSNP rs751192135, ClinGen allele CA10170194.

ClinVar aggregate classification (germline): Uncertain significance. Review status: criteria provided, multiple submitters, no conflicts (2 of 4 stars). 2 submissions from 2 submitters: Uncertain significance (2). Last evaluated 2024-12-13.

Submissions (2):

GeneDx
Classification: Uncertain significance. Last evaluated: 2024-12-13. Review status: criteria provided, single submitter. Criteria: GeneDx Variant Classification Process June 2021. Collection method: clinical testing. Allele origin: germline.
Comment: Not observed at significant frequency in large population cohorts (gnomAD); Frameshift variant predicted to result in protein truncation or nonsense mediated decay in a gene for which loss-of-function is not a known mechanism of disease; Has not been previously published as pathogenic or benign to our knowledge

Labcorp Genetics (formerly Invitae), Labcorp
Classification: Uncertain significance. Last evaluated: 2024-09-04. Review status: criteria provided, single submitter. Criteria: Invitae Variant Classification Sherloc (09022015). Collection method: clinical testing. Allele origin: germline.
Comment: This sequence change creates a premature translational stop signal (p.Ser367Alafs*44) in the KREMEN1 gene. It is expected to result in an absent or disrupted protein product. However, the current clinical and genetic evidence is not sufficient to establish whether loss-of-function variants in KREMEN1 cause disease. This variant is present in population databases (rs751192135, gnomAD 0.002%). This variant has not been reported in the literature in individuals affected with KREMEN1-related conditions. ClinVar contains an entry for this variant (Variation ID: 1702735). In summary, the available evidence is currently insufficient to determine the role of this variant in disease. Therefore, it has been classified as a Variant of Uncertain Significance.